The following is an entry in ClinVar:

NM_001374736.1(DST):c.17595G>C (p.Arg5865=)

Gene: DST (dystonin; minus strand). Cytogenetic location: 6p12.1.
Variant type: single nucleotide variant.
Coding change: c.17595G>C on transcript NM_001374736.1 (MANE Select); coding-DNA position 17595, G replaced by C.
Protein change: p.Arg5865=; no amino-acid change (arginine 5865 retained).
Molecular consequence: synonymous variant. On other transcripts: intron variant (2).
Genome position (GRCh38, 1-based): chr6:56,529,448, C>G on the plus strand (G>C on the coding strand, the complement: DST is on the minus strand). VCF-style: chr6-56529448-C-G. GRCh37 (hg19) VCF-style: chr6-56394246-C-G.
Other names: c.11238G>C, p.Arg3746= (NM_001144769.5); c.10824G>C, p.Arg3608= (NM_001144770.2); c.17595G>C, p.Arg5865= (NM_001374722.1); c.17622G>C, p.Arg5874= (NM_001374734.1); c.10704G>C, p.Arg3568= (NM_001386100.1, NM_183380.4); c.9726G>C, p.Arg3242= (NM_015548.5); c.10378-523G>C (NM_001374730.1); c.16636-523G>C (NM_001374729.1).
Identifiers: ClinVar variation 1042786 (VCV001042786.7), dbSNP rs2096858541, ClinGen allele CA450619030.

ClinVar aggregate classification (germline): Uncertain significance (1 of 4 stars; one submission).

Conditions:
Epidermolysis bullosa simplex 3, localized or generalized intermediate, with BP230 deficiency (EBS3). Also called: Epidermolysis bullosa simplex, autosomal recessive 2; Epidermolysis bullosa simplex due to BP230 deficiency. Identifiers: Orphanet 412181, MedGen C3809470, MONDO:0014180, OMIM 615425.
Hereditary sensory and autonomic neuropathy type 6. Also called: Neuropathy, hereditary sensory and autonomic, type VI; HSAN VI. Identifiers: Orphanet 314381, MedGen C3539003, MONDO:0013839, OMIM 614653.

Allele frequency attached by ClinVar (database versions not stated): TOPMed below 0.00001; gnomAD 0.00001.
gnomAD v4.1: 8 of 1,456,862 alleles (0.00055%); highest among the groups gnomAD compares: African/African-American, 0.0014%; no homozygotes.

Submission:

Labcorp Genetics (formerly Invitae), Labcorp
Classification: Uncertain significance for Epidermolysis bullosa simplex 3, localized or generalized intermediate, with BP230 deficiency; Hereditary sensory and autonomic neuropathy type 6. Last evaluated: 2025-01-14. Review status: criteria provided, single submitter. Criteria: Invitae Variant Classification Sherloc (09022015). Collection method: clinical testing. Allele origin: germline.
Comment: The DST gene has multiple clinically relevant transcripts. This variant occurs in alternate transcript NM_015548.4, and corresponds to NM_001723.5:c.*86069G>C in the primary transcript. This sequence change affects codon 3242 of the DST mRNA. It is a 'silent' change, meaning that it does not change the encoded amino acid sequence of the DST protein. This variant also falls at the last nucleotide of exon 47, which is part of the consensus splice site for this exon. This variant is not present in population databases (gnomAD no frequency). This variant has not been reported in the literature in individuals affected with DST-related conditions. Variants that disrupt the consensus splice site are a relatively common cause of aberrant splicing (PMID: 17576681, 9536098). In summary, the available evidence is currently insufficient to determine the role of this variant in disease. Therefore, it has been classified as a Variant of Uncertain Significance.

Literature cited by the submitters: PubMed 17576681; PubMed 9536098.